The following is an entry in ClinVar:

NM_001127644.2(GABRA1):c.378A>G (p.Thr126=)

Gene: GABRA1 (gamma-aminobutyric acid type A receptor subunit alpha1; plus strand). Cytogenetic location: 5q34.
Variant type: single nucleotide variant.
Coding change: c.378A>G on transcript NM_001127644.2 (MANE Select); coding-DNA position 378, A replaced by G.
Protein change: p.Thr126=; no amino-acid change (threonine 126 retained).
Molecular consequence: synonymous variant.
Genome position (GRCh38, 1-based): chr5:161,873,239, A>G. VCF-style: chr5-161873239-A-G. GRCh37 (hg19) VCF-style: chr5-161300245-A-G.
Other names: c.378A>G, p.Thr126= (NM_000806.5, NM_001127643.2, NM_001127645.2 and 1 more transcripts).
Identifiers: ClinVar variation 373654 (VCV000373654.34), dbSNP rs756299135, ClinGen allele CA3544399.

ClinVar aggregate classification (germline): Likely benign. Review status: criteria provided, multiple submitters, no conflicts (2 of 4 stars). 3 submissions from 3 submitters: Likely benign (3). Last evaluated 2025-12-01.

Conditions:
Epilepsy, idiopathic generalized, susceptibility to, 13. Also called: EPILEPSY, JUVENILE MYOCLONIC, SUSCEPTIBILITY TO, 5. Identifiers: Orphanet 307, Orphanet 64280, MedGen C4013473, MONDO:0012627, OMIM 611136.
Idiopathic generalized epilepsy. Also called: Generalised epilepsy; EIG. Identifiers: MedGen C0270850, MONDO:0005579, OMIM 600669.
Epilepsy, childhood absence 4 (ECA4). Also called: EPILEPSY, CHILDHOOD ABSENCE, SUSCEPTIBILITY TO, 4. Identifiers: Orphanet 307, MedGen C1970160.

Allele frequency attached by ClinVar (database versions not stated): gnomAD 0.00001; ExAC 0.00002; TOPMed 0.00002; gnomAD exomes 0.00004.
gnomAD v4.1: 59 of 1,613,720 alleles (0.0037%); highest among the groups gnomAD compares: Non-Finnish European, 0.0048%; no homozygotes.

Submissions (3):

Labcorp Genetics (formerly Invitae), Labcorp
Classification: Likely benign for Epilepsy, childhood absence 4; Epilepsy, idiopathic generalized, susceptibility to, 13; Idiopathic generalized epilepsy. Last evaluated: 2025-12-01. Review status: criteria provided, single submitter. Criteria: Invitae Variant Classification Sherloc (09022015). Collection method: clinical testing. Allele origin: germline.

CeGaT Center for Human Genetics Tuebingen
Classification: Likely benign. Last evaluated: 2023-10-01. Review status: criteria provided, single submitter. Criteria: CeGaT Center For Human Genetics Tuebingen Variant Classification Criteria Version 2. Collection method: clinical testing. Allele origin: germline. Affected: yes. Observed: 1 variant allele.
Comment: GABRA1: BP4, BP7

GeneDx
Classification: Likely benign. Last evaluated: 2018-04-10. Review status: criteria provided, single submitter. Criteria: GeneDx Variant Classification Process June 2021. Collection method: clinical testing. Allele origin: germline. Affected: yes.